The following is an entry in ClinVar:

NM_000069.3(CACNA1S):c.1418C>T (p.Ser473Phe)

Gene: CACNA1S (calcium voltage-gated channel subunit alpha1 S; minus strand). Cytogenetic location: 1q32.1.
Variant type: single nucleotide variant.
Coding change: c.1418C>T on transcript NM_000069.3 (MANE Select); coding-DNA position 1418, C replaced by T.
Protein change: p.Ser473Phe; replaces serine 473 with phenylalanine.
Molecular consequence: missense variant.
Genome position (GRCh38, 1-based): chr1:201,078,080, G>A on the plus strand (C>T on the coding strand, the complement: CACNA1S is on the minus strand). VCF-style: chr1-201078080-G-A. GRCh37 (hg19) VCF-style: chr1-201047208-G-A.
Other names: short protein forms S473F.
Identifiers: ClinVar variation 3072440 (VCV003072440.1), dbSNP rs2464571821, ClinGen allele CA344122760.

ClinVar aggregate classification (germline): Uncertain significance (1 of 4 stars; one submission).

Conditions:
Malignant hyperthermia, susceptibility to, 5 (MHS5). Also called: CACNA1S-Related Malignant Hyperthermia Susceptibility. Identifiers: Orphanet 423, MedGen C1866077, MONDO:0011163, OMIM 601887.

Submission:

All of Us Research Program, National Institutes of Health
Classification: Uncertain significance for Malignant hyperthermia, susceptibility to, 5. Last evaluated: 2023-07-10. Review status: criteria provided, single submitter. Criteria: ACMG Guidelines, 2015. Collection method: clinical testing. Allele origin: germline. Inheritance: Autosomal dominant inheritance. Observed: 1 variant allele, 1 heterozygote.
Comment: This missense variant replaces serine with phenylalanine at codon 473 of the CACNA1S protein. Computational prediction suggests that this variant may not impact protein structure and function (internally defined REVEL score threshold <= 0.5, PMID: 27666373). To our knowledge, functional studies have not been reported for this variant. This variant has not been reported in individuals affected with CACNA1S-related disorders in the literature. This variant has not been identified in the general population by the Genome Aggregation Database (gnomAD). The available evidence is insufficient to determine the role of this variant in disease conclusively. Therefore, this variant is classified as a Variant of Uncertain Significance.

This study involves interpretation of variants in research participants for the purpose of population health screening. Participant phenotype was not available at the time of variant classification. Additional details can be found in publication PMID: 35346344, PMCID: PMC8962531